The following is an entry in ClinVar:

NM_147127.5(EVC2):c.950T>C (p.Leu317Pro)

Gene: EVC2 (EvC ciliary complex subunit 2; minus strand). Cytogenetic location: 4p16.2.
Variant type: single nucleotide variant.
Coding change: c.950T>C on transcript NM_147127.5 (MANE Select); coding-DNA position 950, T replaced by C.
Protein change: p.Leu317Pro; replaces leucine 317 with proline.
Molecular consequence: missense variant.
Genome position (GRCh38, 1-based): chr4:5,665,570, A>G on the plus strand (T>C on the coding strand, the complement: EVC2 is on the minus strand). VCF-style: chr4-5665570-A-G. GRCh37 (hg19) VCF-style: chr4-5667297-A-G.
Other names: c.710T>C, p.Leu237Pro (NM_001166136.2); short protein forms L237P, L317P.
Identifiers: ClinVar variation 2090948 (VCV002090948.1), dbSNP rs2475515216, ClinGen allele CA356143032.
Genomic context (GRCh38, chr4:5,665,570, plus strand): 5'-CTCACCCGATGTCTGGTGAGCATGTTTCCCTTCAGACACTGATAGCGAACCATGAGGAAG[A>G]GGGCAGCCCAGGTCAGCACAAGGGAGAGGAGGAAGGCAATGAAGAACCCTGCTGCGTGGA-3'
Protein context (NP_667338.3, residues 307-327): LLSLVLTWAA[Leu317Pro]FLMVRYQCLK

ClinVar aggregate classification (germline): Uncertain significance (1 of 4 stars; one submission).

Conditions:
Ellis-van Creveld syndrome (EVC). Also called: EVC-Related Ellis-van Creveld Syndrome; EVC2-Related Ellis-van Creveld Syndrome; Chondroectodermal dysplasia; MESOECTODERMAL DYSPLASIA. Identifiers: Orphanet 289, MedGen C0013903, MONDO:0009162, OMIM 225500.
Curry-Hall syndrome (WAD). Also called: WEYERS ACRODENTAL DYSOSTOSIS. Identifiers: Orphanet 952, MedGen C0457013, MONDO:0008673, OMIM 193530.

Submission:

Labcorp Genetics (formerly Invitae), Labcorp
Classification: Uncertain significance for Curry-Hall syndrome; Ellis-van Creveld syndrome. Last evaluated: 2022-10-03. Review status: criteria provided, single submitter. Criteria: Invitae Variant Classification Sherloc (09022015). Collection method: clinical testing. Allele origin: germline.
Comment: This sequence change replaces leucine, which is neutral and non-polar, with proline, which is neutral and non-polar, at codon 317 of the EVC2 protein (p.Leu317Pro). This variant is not present in population databases (gnomAD no frequency). This variant has not been reported in the literature in individuals affected with EVC2-related conditions. Algorithms developed to predict the effect of missense changes on protein structure and function are either unavailable or do not agree on the potential impact of this missense change (SIFT: "Deleterious"; PolyPhen-2: "Probably Damaging"; Align-GVGD: "Class C0"). In summary, the available evidence is currently insufficient to determine the role of this variant in disease. Therefore, it has been classified as a Variant of Uncertain Significance.